The following is an entry in ClinVar:

ClinVar aggregate classification (germline): Uncertain significance. Review status: criteria provided, multiple submitters, no conflicts (2 of 4 stars). 2 submissions from 2 submitters: Uncertain significance (2). Last evaluated 2026-03-02.

Conditions:
Hereditary cancer-predisposing syndrome. Also called: Hereditary Cancer Syndrome; Neoplastic Syndromes, Hereditary; Tumor predisposition; Hereditary neoplastic syndrome. Identifiers: Orphanet 140162, MedGen C0027672, MeSH D009386, MONDO:0015356.
Multiple endocrine neoplasia, type 1 (MEN1). Also called: MEN I; WERMER SYNDROME; Endocrine adenomatosis multiple; MEN 1; MEA I. Identifiers: Orphanet 652, MedGen C0025267, MeSH D018761, MONDO:0007540, OMIM 131100.

Submissions (2):

Ambry Genetics
Classification: Uncertain significance for Hereditary cancer-predisposing syndrome. Last evaluated: 2026-03-02. Review status: criteria provided, single submitter. Criteria: Ambry Variant Classification Scheme 2023. Collection method: clinical testing. Allele origin: germline.
Comment: The p.G169R variant (also known as c.505G>C), located in coding exon 2 of the MEN1 gene, results from a G to C substitution at nucleotide position 505. The glycine at codon 169 is replaced by arginine, an amino acid with dissimilar properties. This amino acid position is highly conserved in available vertebrate species. In addition, this alteration is predicted to be deleterious by in silico analysis. Based on the available evidence, the clinical significance of this variant remains unclear.

Labcorp Genetics (formerly Invitae), Labcorp
Classification: Uncertain significance for Multiple endocrine neoplasia, type 1. Last evaluated: 2022-05-19. Review status: criteria provided, single submitter. Criteria: Invitae Variant Classification Sherloc (09022015). Collection method: clinical testing. Allele origin: germline.
Comment: This sequence change replaces glycine, which is neutral and non-polar, with arginine, which is basic and polar, at codon 169 of the MEN1 protein (p.Gly169Arg). This variant is not present in population databases (gnomAD no frequency). This variant has not been reported in the literature in individuals affected with MEN1-related conditions. ClinVar contains an entry for this variant (Variation ID: 1018982). Advanced modeling of protein sequence and biophysical properties (such as structural, functional, and spatial information, amino acid conservation, physicochemical variation, residue mobility, and thermodynamic stability) performed at Invitae indicates that this missense variant is expected to disrupt MEN1 protein function. In summary, the available evidence is currently insufficient to determine the role of this variant in disease. Therefore, it has been classified as a Variant of Uncertain Significance.

NM_001370259.2(MEN1):c.505G>C (p.Gly169Arg)

Gene: MEN1 (menin 1; minus strand). Cytogenetic location: 11q13.1.
Variant type: single nucleotide variant.
Coding change: c.505G>C on transcript NM_001370259.2 (MANE Select); coding-DNA position 505, G replaced by C.
Protein change: p.Gly169Arg; replaces glycine 169 with arginine.
Molecular consequence: missense variant.
Genome position (GRCh38, 1-based): chr11:64,808,040, C>G on the plus strand (G>C on the coding strand, the complement: MEN1 is on the minus strand). VCF-style: chr11-64808040-C-G. GRCh37 (hg19) VCF-style: chr11-64575512-C-G.
Other names: c.520G>C, p.Gly174Arg (NM_000244.4, NM_130800.3, NM_130801.3 and 3 more transcripts); c.505G>C, p.Gly169Arg (NM_001370251.2, NM_001370260.2, NM_001370261.2 and 3 more transcripts); c.505G>C (NM_130799.2); short protein forms G169R, G174R.
Identifiers: ClinVar variation 1018982 (VCV001018982.9), dbSNP rs71526465, ClinGen allele CA381186049.